The following is an entry in ClinVar:

NM_000465.4(BARD1):c.1814C>G (p.Thr605Ser)

Gene: BARD1 (BRCA1 associated RING domain 1; minus strand). Cytogenetic location: 2q35.
Variant type: single nucleotide variant.
Coding change: c.1814C>G on transcript NM_000465.4 (MANE Select); coding-DNA position 1814, C replaced by G.
Protein change: p.Thr605Ser; replaces threonine 605 with serine.
Molecular consequence: missense variant. On other transcripts: non-coding transcript variant (3), intron variant (1).
Genome position (GRCh38, 1-based): chr2:214,745,156, G>C on the plus strand (C>G on the coding strand, the complement: BARD1 is on the minus strand). VCF-style: chr2-214745156-G-C. GRCh37 (hg19) VCF-style: chr2-215609880-G-C.
Other names: c.1757C>G, p.Thr586Ser (NM_001282543.2); c.461C>G, p.Thr154Ser (NM_001282545.2); c.404C>G, p.Thr135Ser (NM_001282548.2); c.365-14648C>G (NM_001282549.2); short protein forms T605S, T135S, T154S, T586S.
Identifiers: ClinVar variation 1988420 (VCV001988420.4), dbSNP rs752292843, ClinGen allele CA2090156.
Genomic context (GRCh38, chr2:214,745,156, plus strand): 5'-AGAATCCCAAGCATACACTTCAAGGTACTTTGAACTGCATCACCAGGAACAACAACATGA[G>C]TTACTAAAATACAAAAAAAGCAGTAAGAGAAAGAAAGATACAAGCCAAAGTATTTCTTTG-3'
Protein context (NP_000456.2, residues 595-615): KKYTEFDSTV[Thr605Ser]HVVVPGDAVQ

ClinVar aggregate classification (germline): Uncertain significance (1 of 4 stars; one submission).

Conditions:
Familial cancer of breast. Also called: hereditary breast carcinoma; Hereditary breast cancer; BREAST CANCER, FAMILIAL. Identifiers: Orphanet 227535, MedGen C0346153, MONDO:0016419, OMIM 114480. Disease mechanism: loss of function.

Allele frequency attached by ClinVar (database versions not stated): gnomAD exomes below 0.00001; ExAC 0.00001.
gnomAD v4.1: 1 of 1,613,226 alleles (0.000062%); highest among the groups gnomAD compares: South Asian, 0.0011%; no homozygotes.

Submission:

Labcorp Genetics (formerly Invitae), Labcorp
Classification: Uncertain significance for Familial cancer of breast. Last evaluated: 2022-06-19. Review status: criteria provided, single submitter. Criteria: Invitae Variant Classification Sherloc (09022015). Collection method: clinical testing. Allele origin: germline.
Comment: In summary, the available evidence is currently insufficient to determine the role of this variant in disease. Therefore, it has been classified as a Variant of Uncertain Significance. Algorithms developed to predict the effect of sequence changes on RNA splicing suggest that this variant may disrupt the consensus splice site. Algorithms developed to predict the effect of missense changes on protein structure and function are either unavailable or do not agree on the potential impact of this missense change (SIFT: "Tolerated"; PolyPhen-2: "Possibly Damaging"; Align-GVGD: "Class C0"). This variant has not been reported in the literature in individuals affected with BARD1-related conditions. This variant is present in population databases (rs752292843, gnomAD 0.003%). This sequence change replaces threonine, which is neutral and polar, with serine, which is neutral and polar, at codon 605 of the BARD1 protein (p.Thr605Ser).